The following is an entry in ClinVar:

ClinVar aggregate classification (germline): Uncertain significance. Review status: criteria provided, multiple submitters, no conflicts (2 of 4 stars). 3 submissions from 3 submitters: Uncertain significance (3). Last evaluated 2026-07-01.

Conditions:
KSR2-related disorder. Also called: KSR2-related condition.

gnomAD v4.1: 16 of 1,613,494 alleles (0.00099%); highest among the groups gnomAD compares: Middle Eastern, 0.017%; no homozygotes.

Submissions (3):

PreventionGenetics, part of Exact Sciences
Classification: Uncertain significance for KSR2-related condition. Last evaluated: 2026-07-01. Review status: criteria provided, single submitter. Criteria: ACMG Guidelines, 2015. Collection method: clinical testing. Allele origin: germline.
Comment: The KSR2 c.890A>G variant is predicted to result in the amino acid substitution p.His297Arg. To our knowledge, this variant has not been reported in the literature. This variant is reported in 0.0031% of alleles in individuals of European (Non-Finnish) descent in gnomAD. At this time, the clinical significance of this variant is uncertain due to the absence of conclusive functional and genetic evidence.

Labcorp Genetics (formerly Invitae), Labcorp
Classification: Uncertain significance. Last evaluated: 2025-10-16. Review status: criteria provided, single submitter. Criteria: Invitae Variant Classification Sherloc (09022015). Collection method: clinical testing. Allele origin: germline.
Comment: This sequence change replaces histidine, which is basic and polar, with arginine, which is basic and polar, at codon 297 of the KSR2 protein (p.His297Arg). This variant is present in population databases (no rsID available, gnomAD 0.003%). This variant has not been reported in the literature in individuals affected with KSR2-related conditions. An algorithm developed to predict the effect of missense changes on protein structure and function (PolyPhen-2) suggests that this variant is likely to be tolerated. In summary, the available evidence is currently insufficient to determine the role of this variant in disease. Therefore, it has been classified as a Variant of Uncertain Significance.

Blueprint Genetics
Classification: Uncertain significance. Last evaluated: 2022-12-21. Review status: criteria provided, single submitter. Criteria: ACMG Guidelines, 2015. Collection method: clinical testing. Allele origin: germline.

NM_173598.6(KSR2):c.977A>G (p.His326Arg)

Gene: KSR2 (kinase suppressor of ras 2; minus strand). Cytogenetic location: 12q24.23.
Variant type: single nucleotide variant.
Coding change: c.977A>G on transcript NM_173598.6 (MANE Select); coding-DNA position 977, A replaced by G.
Protein change: p.His326Arg; replaces histidine 326 with arginine.
Molecular consequence: missense variant.
Genome position (GRCh38, 1-based): chr12:117,761,020, T>C on the plus strand (A>G on the coding strand, the complement: KSR2 is on the minus strand). VCF-style: chr12-117761020-T-C. GRCh37 (hg19) VCF-style: chr12-118198825-T-C.
Other names: c.890A>G (NM_173598.4); short protein forms H326R.
Identifiers: ClinVar variation 4752571 (VCV004752571.3).